The following is an entry in ClinVar:

ClinVar aggregate classification (germline): Uncertain significance. Review status: criteria provided, multiple submitters, no conflicts (2 of 4 stars). 2 submissions from 2 submitters: Uncertain significance (2). Last evaluated 2025-05-20.

Conditions:
Fanconi anemia (FA). Also called: Fanconi's anemia. Identifiers: Orphanet 84, MedGen C0015625, MeSH D005199, MONDO:0019391.

Allele frequency attached by ClinVar (database versions not stated): gnomAD exomes below 0.00001; ExAC 0.00001; gnomAD 0.00001.
gnomAD v4.1: 8 of 1,612,452 alleles (0.0005%); highest among the groups gnomAD compares: Admixed American, 0.0033%; no homozygotes.

Submissions (2):

GeneDx
Classification: Uncertain significance. Last evaluated: 2025-05-20. Review status: criteria provided, single submitter. Criteria: GeneDx Variant Classification Process June 2021. Collection method: clinical testing. Allele origin: germline. Affected: yes.
Comment: Not observed at significant frequency in large population cohorts (gnomAD); In silico analysis suggests that this missense variant does not alter protein structure/function; Has not been previously published as pathogenic or benign to our knowledge

Labcorp Genetics (formerly Invitae), Labcorp
Classification: Uncertain significance for Fanconi anemia. Last evaluated: 2021-11-18. Review status: criteria provided, single submitter. Criteria: Invitae Variant Classification Sherloc (09022015). Collection method: clinical testing. Allele origin: germline.
Comment: This sequence change replaces valine, which is neutral and non-polar, with methionine, which is neutral and non-polar, at codon 743 of the SLX4 protein (p.Val743Met). This variant is present in population databases (rs747832147, gnomAD 0.0009%). This variant has not been reported in the literature in individuals affected with SLX4-related conditions. ClinVar contains an entry for this variant (Variation ID: 1004713). Algorithms developed to predict the effect of missense changes on protein structure and function are either unavailable or do not agree on the potential impact of this missense change (SIFT: "Deleterious"; PolyPhen-2: "Probably Damaging"; Align-GVGD: "Class C0"). In summary, the available evidence is currently insufficient to determine the role of this variant in disease. Therefore, it has been classified as a Variant of Uncertain Significance.

NM_032444.4(SLX4):c.2227G>A (p.Val743Met)

Gene: SLX4 (SLX4 structure-specific endonuclease subunit; minus strand). Cytogenetic location: 16p13.3.
Variant type: single nucleotide variant.
Coding change: c.2227G>A on transcript NM_032444.4 (MANE Select); coding-DNA position 2227, G replaced by A.
Protein change: p.Val743Met; replaces valine 743 with methionine.
Molecular consequence: missense variant.
Genome position (GRCh38, 1-based): chr16:3,592,799, C>T on the plus strand (G>A on the coding strand, the complement: SLX4 is on the minus strand). VCF-style: chr16-3592799-C-T. GRCh37 (hg19) VCF-style: chr16-3642800-C-T.
Other names: c.2227G>A (NM_032444.2); short protein forms V743M.
Identifiers: ClinVar variation 1004713 (VCV001004713.5), dbSNP rs747832147, ClinGen allele CA7866228.
Genomic context (GRCh38, chr16:3,592,799, plus strand): 5'-GAAGGCCAGTGTCCGCAGTGTAGAGATAGTGCAGGAACGTGCGGGCGGCCTCGGTGCTCA[C>T]GTCACCCAGCAGGACACGCTGGGTCAGAACCCCGTCCTCTACAGCGGAGAAGCCTTCATT-3'
Protein context (NP_115820.2, residues 733-753): VLTQRVLLGD[Val743Met]STEAARTFLH